The following is an entry in ClinVar:

ClinVar aggregate classification (germline): Uncertain significance (1 of 4 stars; one submission).

Conditions:
Early Myoclonic Encephalopathy. Identifiers: MedGen C0270855.

gnomAD v4.1: 8 of 1,611,540 alleles (0.0005%); highest among the groups gnomAD compares: South Asian, 0.0088%; no homozygotes.

Submission:

Labcorp Genetics (formerly Invitae), Labcorp
Classification: Uncertain significance for Early Myoclonic Encephalopathy. Last evaluated: 2025-05-01. Review status: criteria provided, single submitter. Criteria: Invitae Variant Classification Sherloc (09022015). Collection method: clinical testing. Allele origin: germline.
Comment: This sequence change falls in intron 1 of the KCND2 gene. It does not directly change the encoded amino acid sequence of the KCND2 protein. It affects a nucleotide within the consensus splice site. This variant is present in population databases (no rsID available, gnomAD 0.003%). This variant has not been reported in the literature in individuals affected with KCND2-related conditions. Variants that disrupt the consensus splice site are a relatively common cause of aberrant splicing (PMID: 17576681, 9536098). Algorithms developed to predict the effect of sequence changes on RNA splicing suggest that this variant is not likely to affect RNA splicing. In summary, the available evidence is currently insufficient to determine the role of this variant in disease. Therefore, it has been classified as a Variant of Uncertain Significance.

Literature cited by the submitters: PubMed 17576681; PubMed 9536098.

NM_012281.3(KCND2):c.1116-3C>A

Gene: KCND2 (potassium voltage-gated channel subfamily D member 2; plus strand). Cytogenetic location: 7q31.31.
Variant type: single nucleotide variant.
Coding change: c.1116-3C>A on transcript NM_012281.3 (MANE Select); 3 bases into the intron before coding-DNA position 1116, C replaced by A.
Molecular consequence: intron variant.
Genome position (GRCh38, 1-based): chr7:120,732,900, C>A. VCF-style: chr7-120732900-C-A. GRCh37 (hg19) VCF-style: chr7-120372954-C-A.
Identifiers: ClinVar variation 4729360 (VCV004729360.1).